The following is an entry in ClinVar:

NM_024675.4(PALB2):c.195G>T (p.Pro65=)

Gene: PALB2 (partner and localizer of BRCA2; minus strand). Cytogenetic location: 16p12.2.
Variant type: single nucleotide variant.
Coding change: c.195G>T on transcript NM_024675.4 (MANE Select); coding-DNA position 195, G replaced by T.
Protein change: p.Pro65=; no amino-acid change (proline 65 retained).
Molecular consequence: synonymous variant.
Genome position (GRCh38, 1-based): chr16:23,637,866, C>A on the plus strand (G>T on the coding strand, the complement: PALB2 is on the minus strand). VCF-style: chr16-23637866-C-A. GRCh37 (hg19) VCF-style: chr16-23649187-C-A.
Identifiers: ClinVar variation 506807 (VCV000506807.3), dbSNP rs751176316, ClinGen allele CA279501774.
Genomic context (GRCh38, chr16:23,637,866, plus strand): 5'-GAAATGAATAATAAAGCAGGCATAAGTGAATGGTCTAGATTTACCTGAGTGTTTTAGCTG[C>A]GGTGAGAGATCCTGCTGAGACAAACAATCTTGTTCTTCTACTGTTTTCTTAATAGAATGC-3'
Protein context (NP_078951.2, residues 55-75): QDCLSQQDLS[Pro65=]QLKHSEPKNK

ClinVar aggregate classification (germline): Benign/Likely benign. Review status: criteria provided, multiple submitters, no conflicts (2 of 4 stars). 3 submissions from 3 submitters: Benign (1); Likely benign (2). Last evaluated 2025-02-14.

Conditions:
Familial cancer of breast. Also called: hereditary breast carcinoma; BREAST CANCER, FAMILIAL; Hereditary breast cancer. Identifiers: Orphanet 227535, MedGen C0346153, MONDO:0016419, OMIM 114480. Disease mechanism: loss of function.
Hereditary cancer-predisposing syndrome. Also called: Hereditary neoplastic syndrome; Hereditary Cancer Syndrome; Neoplastic Syndromes, Hereditary; Tumor predisposition. Identifiers: Orphanet 140162, MedGen C0027672, MeSH D009386, MONDO:0015356.

Allele frequency attached by ClinVar (database versions not stated): TOPMed 0.00001.
gnomAD v4.1: 1 of 1,612,094 alleles (0.000062%); highest among the groups gnomAD compares: Non-Finnish European, 0.000085%; no homozygotes.

Submissions (3):

Ambry Genetics
Classification: Likely benign for Hereditary cancer-predisposing syndrome. Last evaluated: 2025-02-14. Review status: criteria provided, single submitter. Criteria: Ambry Variant Classification Scheme 2023. Collection method: clinical testing. Allele origin: germline.

Myriad Genetics, Inc.
Classification: Benign for Familial cancer of breast. Last evaluated: 2025-01-09. Review status: criteria provided, single submitter. Criteria: Myriad Autosomal Dominant, Autosomal Recessive and X-Linked Classification Criteria (2023). Collection method: clinical testing. Allele origin: unknown.
Comment: This variant is considered benign. This variant is a silent/synonymous amino acid change and it is not expected to impact splicing.

GeneDx
Classification: Likely benign. Last evaluated: 2017-08-25. Review status: criteria provided, single submitter. Criteria: GeneDx Variant Classification (06012015). Collection method: clinical testing. Allele origin: germline. Affected: yes.
Comment: This variant is considered likely benign or benign based on one or more of the following criteria: it is a conservative change, it occurs at a poorly conserved position in the protein, it is predicted to be benign by multiple in silico algorithms, and/or has population frequency not consistent with disease.